The following is an entry in ClinVar:

NM_006000.3(TUBA4A):c.*8G>A

Gene: TUBA4A (tubulin alpha 4a; minus strand). Cytogenetic location: 2q35.
Variant type: single nucleotide variant.
Coding change: c.*8G>A on transcript NM_006000.3 (MANE Select); 8 bases downstream of the stop codon, G replaced by A.
Molecular consequence: 3 prime UTR variant.
Genome position (GRCh38, 1-based): chr2:219,250,344, C>T on the plus strand (G>A on the coding strand, the complement: TUBA4A is on the minus strand). VCF-style: chr2-219250344-C-T. GRCh37 (hg19) VCF-style: chr2-220115066-C-T.
Other names: c.*8G>A (NM_001278552.2).
Identifiers: ClinVar variation 4684647 (VCV004684647.1).

ClinVar aggregate classification (germline): Likely benign (1 of 4 stars; one submission).

gnomAD v4.1: 230 of 1,601,822 alleles (0.014%); highest among the groups gnomAD compares: Middle Eastern, 0.22%; 1 homozygote.

Submission:

Mayo Clinic Laboratories, Mayo Clinic
Classification: Likely benign. Last evaluated: 2025-03-12. Review status: criteria provided, single submitter. Criteria: ACMG Guidelines, 2015. Collection method: clinical testing. Allele origin: germline. Observed: 1 variant allele.
Comment: BS1, BP4, BP7